The following is an entry in ClinVar:

ClinVar aggregate classification (germline): Conflicting classifications of pathogenicity. Review status: criteria provided, conflicting classifications (1 of 4 stars). 4 submissions from 4 submitters: Uncertain significance (2); Likely benign (1). 1 of the submissions does not count toward it. Last evaluated 2025-06-09.

Conditions:
Inborn genetic diseases. Identifiers: MedGen C0950123, MeSH D030342.
PCNT-related disorder. Also called: PCNT-related condition.
Microcephalic osteodysplastic primordial dwarfism type II (MOPD2). Also called: MOPD II; OSTEODYSPLASTIC PRIMORDIAL DWARFISM, TYPE II; Microcephalic osteodysplastic primordial dwarfism with tooth abnormalities. Identifiers: Orphanet 2637, MedGen C0432246, MONDO:0008872, OMIM 210720.

Allele frequency attached by ClinVar (database versions not stated): gnomAD exomes 0.00002 and 0.00003; gnomAD 0.00003; TOPMed 0.00003; ExAC 0.00004.
gnomAD v4.1: 37 of 1,614,146 alleles (0.0023%); highest among the groups gnomAD compares: African/African-American, 0.015%; no homozygotes.

Submissions (4):

Ambry Genetics
Classification: Uncertain significance for Inborn genetic diseases. Last evaluated: 2025-06-09. Review status: criteria provided, single submitter. Criteria: Ambry Variant Classification Scheme 2023. Collection method: clinical testing. Allele origin: germline.

ARUP Laboratories, Molecular Genetics and Genomics, ARUP Laboratories
Classification: Likely benign for Microcephalic osteodysplastic primordial dwarfism type II. Last evaluated: 2023-06-13. Review status: criteria provided, single submitter. Criteria: ARUP Molecular Germline Variant Investigation Process 2024. Collection method: clinical testing. Allele origin: germline.

Labcorp Genetics (formerly Invitae), Labcorp
Classification: Uncertain significance. Last evaluated: 2021-09-15. Review status: criteria provided, single submitter. Criteria: Invitae Variant Classification Sherloc (09022015). Collection method: clinical testing. Allele origin: germline.
Comment: This sequence change replaces asparagine with serine at codon 2153 of the PCNT protein (p.Asn2153Ser). The asparagine residue is weakly conserved and there is a small physicochemical difference between asparagine and serine. This variant is present in population databases (rs758705082, ExAC 0.02%). This variant has not been reported in the literature in individuals affected with PCNT-related conditions. Algorithms developed to predict the effect of missense changes on protein structure and function are either unavailable or do not agree on the potential impact of this missense change (SIFT: "Deleterious"; PolyPhen-2: "Benign"; Align-GVGD: "Class C0"). In summary, the available evidence is currently insufficient to determine the role of this variant in disease. Therefore, it has been classified as a Variant of Uncertain Significance.

PreventionGenetics, part of Exact Sciences
Classification: Uncertain significance for PCNT-related condition. Last evaluated: 2024-08-26. Review status: no assertion criteria provided. Collection method: clinical testing. Allele origin: germline. Not counted in ClinVar's aggregate classification.
Comment: The PCNT c.6458A>G variant is predicted to result in the amino acid substitution p.Asn2153Ser. To our knowledge, this variant has not been reported in the literature. This variant is reported in 0.016% of alleles in individuals of African descent in gnomAD. At this time, the clinical significance of this variant is uncertain due to the absence of conclusive functional and genetic evidence.

NM_006031.6(PCNT):c.6458A>G (p.Asn2153Ser)

Gene: PCNT (pericentrin; plus strand). Cytogenetic location: 21q22.3.
Variant type: single nucleotide variant.
Coding change: c.6458A>G on transcript NM_006031.6 (MANE Select); coding-DNA position 6458, A replaced by G.
Protein change: p.Asn2153Ser; replaces asparagine 2153 with serine.
Molecular consequence: missense variant.
Genome position (GRCh38, 1-based): chr21:46,416,376, A>G. VCF-style: chr21-46416376-A-G. GRCh37 (hg19) VCF-style: chr21-47836290-A-G.
Other names: c.6458A>G (NM_006031.5); c.6104A>G, p.Asn2035Ser (NM_001315529.2); short protein forms N2035S, N2153S.
Identifiers: ClinVar variation 1442485 (VCV001442485.7), dbSNP rs758705082, ClinGen allele CA10080338.